The following is an entry in ClinVar:

NC_000023.10:g.23209046_23463336del254291

Genes: PTCHD1 (patched domain containing 1; plus strand), PTCHD1-AS (PTCHD1 and PHEX antisense RNA; minus strand), LOC130068044 (ATAC-STARR-seq lymphoblastoid silent region 20702; plus strand). Cytogenetic location: Xp22.11.
Variant type: Deletion.
Identifiers: ClinVar variation 549655 (VCV000549655.2).

ClinVar aggregate classification (germline): no classifications from unflagged records (0 of 4 stars; one submission).

Conditions:
Primary amenorrhea. Identifiers: MedGen C0232939, MONDO:1060208, HP:0000786.

Submission:

Medical Cytogenetics and Molecular Genetics Laboratory, IRCCS Istituto Auxologico Italiano
Classification: Likely benign for Primary amenorrhea. Last evaluated: 2018-06-01. Review status: flagged submission. Criteria: ACMG CNV Guidelines, 2011. Collection method: research. Allele origin: unknown. Affected: yes. Observed: 1 variant allele.
ClinVar note: Notes: This submission was flagged because its interpretation of this variant conflicts with the ClinGen Gene Dosage Map curation for the gene PTCHD1.
ClinVar note: Reason: Conflict with ClinGen Gene Dosage Map